The following is an entry in ClinVar:

ClinVar aggregate classification (germline): Uncertain significance (1 of 4 stars; one submission).

Conditions:
Hereditary sensory and autonomic neuropathy type 6. Also called: HSAN VI; Neuropathy, hereditary sensory and autonomic, type VI. Identifiers: Orphanet 314381, MedGen C3539003, MONDO:0013839, OMIM 614653.
Epidermolysis bullosa simplex 3, localized or generalized intermediate, with BP230 deficiency (EBS3). Also called: Epidermolysis bullosa simplex, autosomal recessive 2; Epidermolysis bullosa simplex due to BP230 deficiency. Identifiers: Orphanet 412181, MedGen C3809470, MONDO:0014180, OMIM 615425.

gnomAD v4.1: 2 of 1,614,128 alleles (0.00012%); highest among the groups gnomAD compares: African/African-American, 0.0013%; no homozygotes.

Submission:

Labcorp Genetics (formerly Invitae), Labcorp
Classification: Uncertain significance for Epidermolysis bullosa simplex 3, localized or generalized intermediate, with BP230 deficiency; Hereditary sensory and autonomic neuropathy type 6. Last evaluated: 2022-03-02. Review status: criteria provided, single submitter. Criteria: Invitae Variant Classification Sherloc (09022015). Collection method: clinical testing. Allele origin: germline.
Comment: This sequence change replaces aspartic acid, which is acidic and polar, with valine, which is neutral and non-polar, at codon 2343 of the DST protein (p.Asp2343Val). This variant is present in population databases (rs190064001, gnomAD 0.003%). This variant has not been reported in the literature in individuals affected with DST-related conditions. Algorithms developed to predict the effect of missense changes on protein structure and function (SIFT, PolyPhen-2, Align-GVGD) all suggest that this variant is likely to be disruptive. In summary, the available evidence is currently insufficient to determine the role of this variant in disease. Therefore, it has been classified as a Variant of Uncertain Significance.

NM_001723.7(DST):c.7028A>T (p.Asp2343Val)

Gene: DST (dystonin; minus strand). Cytogenetic location: 6p12.1.
Variant type: single nucleotide variant.
Coding change: c.7028A>T on transcript NM_001723.7 (MANE Plus Clinical); coding-DNA position 7028, A replaced by T.
Protein change: p.Asp2343Val; replaces aspartic acid 2343 with valine.
Molecular consequence: missense variant. On other transcripts: intron variant (10).
Genome position (GRCh38, 1-based): chr6:56,616,439, T>A on the plus strand (A>T on the coding strand, the complement: DST is on the minus strand). VCF-style: chr6-56616439-T-A. GRCh37 (hg19) VCF-style: chr6-56481237-T-A.
Other names: c.4831-1955A>T (NM_001144769.5); c.4930-1955A>T (NM_001374722.1, NM_001374736.1); c.4957-1955A>T (NM_001374734.1); c.4417-1955A>T (NM_001144770.2); c.4297-1955A>T (NM_001374730.1, NM_001386100.1, NM_183380.4 and 1 more transcripts); c.3319-1955A>T (NM_015548.5); short protein forms D2343V.
Identifiers: ClinVar variation 1912777 (VCV001912777.5), dbSNP rs190064001, ClinGen allele CA3870042.